The following is an entry in ClinVar:

ClinVar aggregate classification (germline): Pathogenic. Review status: criteria provided, single submitter (1 of 4 stars). 2 submissions from 1 submitter: Pathogenic (1). 1 of the submissions does not count toward it. Last evaluated 2022-08-16.

Conditions:
Congenital disorder of glycosylation, type IIq. Also called: CDG IIq. Identifiers: Orphanet 435934, MedGen C4479353, MONDO:0054559, OMIM 617395.

Submissions (2):

Labcorp Genetics (formerly Invitae), Labcorp
Classification: Pathogenic for Congenital disorder of glycosylation, type IIq. Last evaluated: 2022-08-16. Review status: criteria provided, single submitter. Criteria: Invitae Variant Classification Sherloc (09022015). Collection method: clinical testing. Allele origin: germline.
Comment: A gross deletion of the genomic region encompassing the full coding sequence of the COG2 gene has been identified. Loss-of-function variants in COG2 are known to be pathogenic (PMID: 24784932). The boundaries of this event are unknown as they extend beyond the assayed region for this gene and therefore may encompass additional genes. This variant has not been reported in the literature in individuals affected with COG2-related conditions. For these reasons, this variant has been classified as Pathogenic.

Labcorp Genetics (formerly Invitae), Labcorp
Classification: Pathogenic. Last evaluated: 2022-08-16. Review status: flagged submission. Criteria: Invitae Variant Classification Sherloc (09022015). Collection method: clinical testing. Allele origin: germline. Not counted in ClinVar's aggregate classification.
Comment: A gross deletion of the genomic region encompassing the full coding sequence of the GALNT2 gene has been identified. Loss-of-function variants in GALNT2 are known to be pathogenic (PMID: 32293671). The boundaries of this event are unknown as they extend beyond the assayed region for this gene and therefore may encompass additional genes. This variant has not been reported in the literature in individuals affected with GALNT2-related conditions. For these reasons, this variant has been classified as Pathogenic.
ClinVar note: Reason: This record appears to be redundant with a more recent record from the same submitter.
ClinVar note: Notes: SCV003793759 appears to be redundant with SCV003791671.

Literature cited by the submitters: PubMed 24784932; PubMed 32293671.

NC_000001.10:g.(?_230203028)_(231413288_?)del

Genes: CAPN9 (calpain 9; plus strand), COG2 (component of oligomeric golgi complex 2; plus strand), FAM89A (family with sequence similarity 89 member A; minus strand), FSAF1 (40S small subunit processome assembly factor 1; minus strand), GALNT2 (polypeptide N-acetylgalactosaminyltransferase 2; plus strand) and 7 more. Cytogenetic location: 1q42.13-42.2.
Variant type: Deletion.
Identifiers: ClinVar variation 2425124 (VCV002425124.3).